The following is an entry in ClinVar:

ClinVar aggregate classification (germline): Uncertain significance (1 of 4 stars; one submission).

Conditions:
Bethlem myopathy 1A. Also called: MYOPATHY, BENIGN CONGENITAL, WITH CONTRACTURES; Bethlem myopathy 1; Bethlem Muscular Dystrophy. Identifiers: Orphanet 610, MedGen CN029274, MONDO:0024530, OMIM 158810.

Submission:

Labcorp Genetics (formerly Invitae), Labcorp
Classification: Uncertain significance for Bethlem myopathy 1A. Last evaluated: 2025-10-23. Review status: criteria provided, single submitter. Criteria: Invitae Variant Classification Sherloc (09022015). Collection method: clinical testing. Allele origin: germline.
Comment: This sequence change replaces phenylalanine, which is neutral and non-polar, with glycine, which is neutral and non-polar, at codon 1010 of the COL6A2 protein (p.Phe1010Gly). Information on the frequency of this variant in the gnomAD database is not available, as this variant may be reported differently in the database. This variant has not been reported in the literature in individuals affected with COL6A2-related conditions. An algorithm developed to predict the effect of missense changes on protein structure and function (PolyPhen-2) suggests that this variant is likely to be disruptive. In summary, the available evidence is currently insufficient to determine the role of this variant in disease. Therefore, it has been classified as a Variant of Uncertain Significance.

NM_001849.4(COL6A2):c.3028_3029delinsGG (p.Phe1010Gly)

Gene: COL6A2 (collagen type VI alpha 2 chain; plus strand). Cytogenetic location: 21q22.3.
Variant type: Indel.
Coding change: c.3028_3029delinsGG on transcript NM_001849.4 (MANE Select); coding-DNA positions 3028 to 3029, TT replaced by GG.
Protein change: p.Phe1010Gly; replaces phenylalanine 1010 with glycine.
Molecular consequence: missense variant.
Genome position (GRCh38, 1-based): chr21:46,132,520-46,132,521, TT replaced by GG. VCF-style: chr21-46132520-TT-GG. GRCh37 (hg19) VCF-style: chr21-47552434-TT-GG.
Other names: short protein forms F1010G.
Identifiers: ClinVar variation 4807269 (VCV004807269.1).